The following is an entry in ClinVar:

ClinVar aggregate classification (germline): Uncertain significance. Review status: criteria provided, single submitter (1 of 4 stars). 2 submissions from 2 submitters: Uncertain significance (1). 1 of the submissions does not count toward it. Last evaluated 2024-10-16.

Conditions:
Neu-Laxova syndrome 2. Identifiers: Orphanet 2671, Orphanet 583602, MedGen C4015019, MONDO:0014466, OMIM 616038.

Allele frequency attached by ClinVar (database versions not stated): gnomAD exomes below 0.00001 and 0.00001; TOPMed below 0.00001; ExAC 0.00001; gnomAD 0.00001.
gnomAD v4.1: 4 of 1,611,546 alleles (0.00025%); highest among the groups gnomAD compares: Admixed American, 0.0067%; no homozygotes.

Submissions (2):

Labcorp Genetics (formerly Invitae), Labcorp
Classification: Uncertain significance for Neu-Laxova syndrome 2. Last evaluated: 2024-10-16. Review status: criteria provided, single submitter. Criteria: Invitae Variant Classification Sherloc (09022015). Collection method: clinical testing. Allele origin: germline.
Comment: This sequence change replaces leucine, which is neutral and non-polar, with tryptophan, which is neutral and slightly polar, at codon 365 of the PSAT1 protein (p.Leu365Trp). This variant is present in population databases (rs758027795, gnomAD 0.006%). This variant has not been reported in the literature in individuals affected with PSAT1-related conditions. ClinVar contains an entry for this variant (Variation ID: 977070). An algorithm developed to predict the effect of missense changes on protein structure and function (PolyPhen-2) suggests that this variant is likely to be tolerated. Experimental studies have shown that this missense change does not substantially affect PSAT1 function (PMID: 32077105). In summary, the available evidence is currently insufficient to determine the role of this variant in disease. Therefore, it has been classified as a Variant of Uncertain Significance.

Dudley Research Group, Pacific Northwest Research Institute
No classification provided. Review status: no classification provided. Collection method: research, in vivo. Allele origin: unknown, not applicable. Functional consequence: functionally_normal. Not counted in ClinVar's aggregate classification.

Literature cited by the submitters: PubMed 32077105 (cited by Labcorp Genetics (formerly Invitae), Labcorp).

NM_058179.4(PSAT1):c.1094T>G (p.Leu365Trp)

Gene: PSAT1 (phosphoserine aminotransferase 1; plus strand). Cytogenetic location: 9q21.2.
Variant type: single nucleotide variant.
Coding change: c.1094T>G on transcript NM_058179.4 (MANE Select); coding-DNA position 1094, T replaced by G.
Protein change: p.Leu365Trp; replaces leucine 365 with tryptophan.
Molecular consequence: missense variant.
Genome position (GRCh38, 1-based): chr9:78,329,067, T>G. VCF-style: chr9-78329067-T-G. GRCh37 (hg19) VCF-style: chr9-80943983-T-G.
Other names: c.956T>G, p.Leu319Trp (NM_021154.5); short protein forms L319W, L365W.
Identifiers: ClinVar variation 977070 (VCV000977070.7), dbSNP rs758027795, ClinGen allele CA5095810.